The following is an entry in ClinVar:

ClinVar aggregate classification (germline): Uncertain significance (1 of 4 stars; one submission).

Conditions:
Ehlers-Danlos syndrome, kyphoscoliotic type 1 (EDSKSCL1). Also called: EHLERS-DANLOS SYNDROME, TYPE VIA; Ehlers-Danlos syndrome, hydroxylysine-deficient; EHLERS-DANLOS SYNDROME, OCULAR-SCOLIOTIC TYPE; PLOD1-Related Kyphoscoliotic Ehlers-Danlos Syndrome. Identifiers: Orphanet 1900, MedGen C0268342, MONDO:0016002, OMIM 225400. Disease mechanism: loss of function.

Allele frequency attached by ClinVar (database versions not stated): TOPMed below 0.00001; gnomAD 0.00001; gnomAD exomes 0.00002 and 0.00004; ExAC 0.00004.
gnomAD v4.1: 28 of 1,613,810 alleles (0.0017%); highest among the groups gnomAD compares: South Asian, 0.025%; no homozygotes.

Submission:

Labcorp Genetics (formerly Invitae), Labcorp
Classification: Uncertain significance for Ehlers-Danlos syndrome, kyphoscoliotic type 1. Last evaluated: 2021-09-02. Review status: criteria provided, single submitter. Criteria: Invitae Variant Classification Sherloc (09022015). Collection method: clinical testing. Allele origin: germline.
Comment: This sequence change replaces alanine with valine at codon 691 of the PLOD1 protein (p.Ala691Val). The alanine residue is highly conserved and there is a small physicochemical difference between alanine and valine. This variant is present in population databases (rs777096767, ExAC 0.01%). This variant has not been reported in the literature in individuals affected with PLOD1-related conditions. Algorithms developed to predict the effect of missense changes on protein structure and function are either unavailable or do not agree on the potential impact of this missense change (SIFT: "Tolerated"; PolyPhen-2: "Possibly Damaging"; Align-GVGD: "Class C0"). In summary, the available evidence is currently insufficient to determine the role of this variant in disease. Therefore, it has been classified as a Variant of Uncertain Significance.

NM_000302.4(PLOD1):c.2072C>T (p.Ala691Val)

Gene: PLOD1 (procollagen-lysine,2-oxoglutarate 5-dioxygenase 1; plus strand). Cytogenetic location: 1p36.22.
Variant type: single nucleotide variant.
Coding change: c.2072C>T on transcript NM_000302.4 (MANE Select); coding-DNA position 2072, C replaced by T.
Protein change: p.Ala691Val; replaces alanine 691 with valine.
Molecular consequence: missense variant.
Genome position (GRCh38, 1-based): chr1:11,974,696, C>T. VCF-style: chr1-11974696-C-T. GRCh37 (hg19) VCF-style: chr1-12034753-C-T.
Other names: c.2213C>T, p.Ala738Val (NM_001316320.2); short protein forms A691V, A738V.
Identifiers: ClinVar variation 459819 (VCV000459819.6), dbSNP rs777096767, ClinGen allele CA598672.